The following is an entry in ClinVar:

ClinVar aggregate classification (germline): Likely benign (1 of 4 stars; one submission).

Submission:

GeneDx
Classification: Likely benign. Last evaluated: 2018-04-16. Review status: criteria provided, single submitter. Criteria: GeneDx Variant Classification (06012015). Collection method: clinical testing. Allele origin: germline. Affected: yes.
Comment: This variant is considered likely benign or benign based on one or more of the following criteria: it is a conservative change, it occurs at a poorly conserved position in the protein, it is predicted to be benign by multiple in silico algorithms, and/or has population frequency not consistent with disease.

NM_078470.6(COX15):c.987+3A>G

Gene: COX15 (cytochrome c oxidase assembly homolog COX15; minus strand). Cytogenetic location: 10q24.2.
Variant type: single nucleotide variant.
Coding change: c.987+3A>G on transcript NM_078470.6 (MANE Select); 3 bases into the intron after coding-DNA position 987, A replaced by G.
Molecular consequence: intron variant.
Genome position (GRCh38, 1-based): chr10:99,718,343, T>C on the plus strand (A>G on the coding strand, the complement: COX15 is on the minus strand). VCF-style: chr10-99718343-T-C. GRCh37 (hg19) VCF-style: chr10-101478100-T-C.
Other names: c.987+3A>G (NM_001320974.2, NM_001372027.1, NM_004376.7 and 2 more transcripts); c.450+3A>G (NM_001320976.2); c.960+3A>G (NM_001372026.1); c.833-1882A>G (NM_001372028.1, NM_001320975.2).
Identifiers: ClinVar variation 682333 (VCV000682333.1), dbSNP rs1590087397, ClinGen allele CA915947551.